The following is an entry in ClinVar:

NM_058195.4(CDKN2A):c.191C>G (p.Pro64Arg)

Gene: CDKN2A (cyclin dependent kinase inhibitor 2A; minus strand). Cytogenetic location: 9p21.3.
Variant type: single nucleotide variant.
Coding change: c.191C>G on transcript NM_058195.4 (MANE Plus Clinical); coding-DNA position 191, C replaced by G.
Protein change: p.Pro64Arg; replaces proline 64 with arginine.
Molecular consequence: missense variant. On other transcripts: intron variant (1).
Genome position (GRCh38, 1-based): chr9:21,994,141, G>C on the plus strand (C>G on the coding strand, the complement: CDKN2A is on the minus strand). VCF-style: chr9-21994141-G-C. GRCh37 (hg19) VCF-style: chr9-21994140-G-C.
Other names: c.-4+680C>G (NM_001363763.2); short protein forms P64R.
Identifiers: ClinVar variation 483332 (VCV000483332.12), dbSNP rs1348413029, ClinGen allele CA16622045.

ClinVar aggregate classification (germline): Uncertain significance. Review status: criteria provided, multiple submitters, no conflicts (2 of 4 stars). 4 submissions from 4 submitters: Uncertain significance (4). Last evaluated 2025-08-18.

Conditions:
Familial melanoma. Also called: Hereditary melanoma; Hereditary cutaneous melanoma. Identifiers: Orphanet 618, MedGen C1512419, MONDO:0018961.
Hereditary cancer-predisposing syndrome. Also called: Neoplastic Syndromes, Hereditary; Hereditary Cancer Syndrome; Tumor predisposition; Hereditary neoplastic syndrome. Identifiers: Orphanet 140162, MedGen C0027672, MeSH D009386, MONDO:0015356.

Allele frequency attached by ClinVar (database versions not stated): gnomAD exomes below 0.00001; TOPMed below 0.00001.
gnomAD v4.1: 3 of 1,601,004 alleles (0.00019%); highest among the groups gnomAD compares: Non-Finnish European, 0.00025%; no homozygotes.

Submissions (4):

Ambry Genetics
Classification: Uncertain significance for Hereditary cancer-predisposing syndrome. Last evaluated: 2025-08-18. Review status: criteria provided, single submitter. Criteria: Ambry Variant Classification Scheme 2023. Collection method: clinical testing. Allele origin: germline.
Comment: The p.P64R variant (also known as c.191C>G), located in coding exon 1 of the CDKN2A (p14ARF) gene, results from a C to G substitution at nucleotide position 191. The proline at codon 64 is replaced by arginine, an amino acid with dissimilar properties. This amino acid position is well conserved in available vertebrate species. Based on the available evidence, the clinical significance of this variant remains unclear.

GeneDx
Classification: Uncertain significance. Last evaluated: 2023-03-21. Review status: criteria provided, single submitter. Criteria: GeneDx Variant Classification Process June 2021. Collection method: clinical testing. Allele origin: germline. Affected: yes.
Comment: Not observed at significant frequency in large population cohorts (gnomAD); In silico analysis supports that this missense variant has a deleterious effect on protein structure/function; Has not been previously published as pathogenic or benign to our knowledge; Reported using an alternate transcript of the gene; This variant is associated with the following publications: (PMID: 9653180, 9529249, 16173922)

Sema4
Classification: Uncertain significance for Hereditary cancer-predisposing syndrome. Last evaluated: 2021-12-10. Review status: criteria provided, single submitter. Criteria: Sema4 Curation Guidelines. Collection method: curation. Allele origin: germline.
Comment: The CDKN2A c.191C>G (p.P64R) variant has not been reported in the literature to our knowledge. It was not observed in the large and broad cohorts of the Genome Aggregation Database (PMID: 32461654). This variant has been reported in ClinVar (Variation ID 483332). Functional studies have not been performed, and in silico predictions of the variant's effect on protein function are inconclusive. The evidence is insufficient to meet ACMG/AMP criteria for classifying the variant as benign or pathogenic. Thus, the clinical significance of this variant is currently uncertain.

Labcorp Genetics (formerly Invitae), Labcorp
Classification: Uncertain significance for Familial melanoma. Last evaluated: 2021-11-02. Review status: criteria provided, single submitter. Criteria: Invitae Variant Classification Sherloc (09022015). Collection method: clinical testing. Allele origin: germline.
Comment: This sequence change replaces proline, which is neutral and non-polar, with arginine, which is basic and polar, at codon 64 of the CDKN2A (p14ARF) protein (p.Pro64Arg). This variant is not present in population databases (gnomAD no frequency). This variant has not been reported in the literature in individuals affected with CDKN2A (p14ARF)-related conditions. ClinVar contains an entry for this variant (Variation ID: 483332). Algorithms developed to predict the effect of missense changes on protein structure and function are either unavailable or do not agree on the potential impact of this missense change (SIFT: "Deleterious"; PolyPhen-2: "Probably Damaging"; Align-GVGD: "Class C15"). In summary, the available evidence is currently insufficient to determine the role of this variant in disease. Therefore, it has been classified as a Variant of Uncertain Significance.